The following is an entry in ClinVar:

NM_016653.3(MAP3K20):c.842C>T (p.Ala281Val)

Genes: MAP3K20-AS1 (MAP3K20 antisense RNA 1; minus strand), MAP3K20 (mitogen-activated protein kinase kinase kinase 20; plus strand). Cytogenetic location: 2q31.1.
Variant type: single nucleotide variant.
Coding change: c.842C>T on transcript NM_016653.3 (MANE Select); coding-DNA position 842, C replaced by T.
Protein change: p.Ala281Val; replaces alanine 281 with valine.
Molecular consequence: missense variant. On other transcripts: non-coding transcript variant (1).
Genome position (GRCh38, 1-based): chr2:173,209,826, C>T. VCF-style: chr2-173209826-C-T. GRCh37 (hg19) VCF-style: chr2-174074554-C-T.
Other names: c.842C>T, p.Ala281Val (NM_133646.3); short protein forms A281V.
Identifiers: ClinVar variation 1378538 (VCV001378538.6), dbSNP rs34683477, ClinGen allele CA1970538.

ClinVar aggregate classification (germline): Uncertain significance. Review status: criteria provided, multiple submitters, no conflicts (2 of 4 stars). 2 submissions from 2 submitters: Uncertain significance (2). Last evaluated 2022-08-21.

Conditions:
Myopathy, centronuclear, 6, with fiber-type disproportion. Identifiers: MedGen C4540345, MONDO:0054695, OMIM 617760.
Split-foot malformation-mesoaxial polydactyly syndrome. Also called: Split-foot malformation with mesoaxial polydactyly. Identifiers: Orphanet 488232, MedGen C5567487, MONDO:0014816, OMIM 616890.

Allele frequency attached by ClinVar (database versions not stated): gnomAD 0.00016; gnomAD exomes 0.00016 and 0.00029; TOPMed 0.00018; ExAC 0.00021; ESP Exome Variant Server 0.00046.
gnomAD v4.1: 450 of 1,613,860 alleles (0.028%); highest among the groups gnomAD compares: East Asian, 0.049%; no homozygotes.

Submissions (5):

Labcorp Genetics (formerly Invitae), Labcorp
Classification: Uncertain significance. Last evaluated: 2022-08-21. Review status: criteria provided, single submitter. Criteria: Invitae Variant Classification Sherloc (09022015). Collection method: clinical testing. Allele origin: germline.
Comment: This sequence change replaces alanine, which is neutral and non-polar, with valine, which is neutral and non-polar, at codon 281 of the MAP3K20 protein (p.Ala281Val). This variant is present in population databases (rs34683477, gnomAD 0.05%). This variant has not been reported in the literature in individuals affected with MAP3K20-related conditions. ClinVar contains an entry for this variant (Variation ID: 1378538). Experimental studies and prediction algorithms are not available or were not evaluated, and the functional significance of this variant is currently unknown. In summary, the available evidence is currently insufficient to determine the role of this variant in disease. Therefore, it has been classified as a Variant of Uncertain Significance.

Juno Genomics, Hangzhou Juno Genomics, Inc
Classification: Uncertain significance for Split-foot malformation-mesoaxial polydactyly syndrome; Myopathy, centronuclear, 6, with fiber-type disproportion. Review status: criteria provided, single submitter. Criteria: ACMG Guidelines, 2015. Collection method: clinical testing. Allele origin: germline.
Comment: Absent from controls (or at extremely low frequency if recessive) in Genome Aggregation Database.

Dr. Peter K. Rogan Lab, Western University
No classification provided (evidence only). Condition: Cervical cancer. Review status: no classification provided. Collection method: in vitro. Allele origin: not applicable. Functional consequence: retained intron. Not counted in ClinVar's aggregate classification.

Dr. Peter K. Rogan Lab, Western University
No classification provided (evidence only). Condition: Cervical cancer. Review status: no classification provided. Collection method: in vitro. Allele origin: not applicable. Functional consequence: retained intron. Not counted in ClinVar's aggregate classification.

Dr. Peter K. Rogan Lab, Western University
No classification provided (evidence only). Condition: Ovarian serous cystadenocarcinoma. Review status: no classification provided. Collection method: in vitro. Allele origin: not applicable. Functional consequence: retained intron. Not counted in ClinVar's aggregate classification.